The following is an entry in ClinVar:

NM_000038.6(APC):c.2311G>T (p.Glu771Ter)

Gene: APC (APC regulator of Wnt signaling pathway; plus strand). Cytogenetic location: 5q22.2.
Variant type: single nucleotide variant.
Coding change: c.2311G>T on transcript NM_000038.6 (MANE Select); coding-DNA position 2311, G replaced by T.
Protein change: p.Glu771Ter; replaces glutamic acid 771 with a stop codon.
Molecular consequence: nonsense.
Genome position (GRCh38, 1-based): chr5:112,837,905, G>T. VCF-style: chr5-112837905-G-T. GRCh37 (hg19) VCF-style: chr5-112173602-G-T.
Other names: c.2311G>T, p.Glu771Ter (NM_001127510.3, NM_001354895.2, NM_001407450.1); c.2257G>T, p.Glu753Ter (NM_001127511.3); c.2365G>T, p.Glu789Ter (NM_001354896.2, NM_001407447.1, NM_001407448.1 and 1 more transcripts); c.2341G>T, p.Glu781Ter (NM_001354897.2); c.2236G>T, p.Glu746Ter (NM_001354898.2); c.2227G>T, p.Glu743Ter (NM_001354899.2); c.2188G>T, p.Glu730Ter (NM_001354900.2); c.2134G>T, p.Glu712Ter (NM_001354901.2, NM_001407453.1); and 11 more; short protein forms E387*, E488*, E712*, E688*, E743*, E764*, E781*, E611*.
Identifiers: ClinVar variation 1789450 (VCV001789450.3), dbSNP rs2149866092, ClinGen allele CA16026398.

ClinVar aggregate classification (germline): Pathogenic (1 of 4 stars; one submission).

Conditions:
Hereditary cancer-predisposing syndrome. Also called: Hereditary Cancer Syndrome; Hereditary neoplastic syndrome; Tumor predisposition; Neoplastic Syndromes, Hereditary. Identifiers: Orphanet 140162, MedGen C0027672, MeSH D009386, MONDO:0015356.

Submission:

Ambry Genetics
Classification: Pathogenic for Hereditary cancer-predisposing syndrome. Last evaluated: 2023-06-14. Review status: criteria provided, single submitter. Criteria: Ambry Variant Classification Scheme 2023. Collection method: clinical testing. Allele origin: germline.
Comment: The p.E771* pathogenic mutation (also known as c.2311G>T), located in coding exon 15 of the APC gene, results from a G to T substitution at nucleotide position 2311. This changes the amino acid from a glutamic acid to a stop codon within coding exon 15. This alteration is expected to result in loss of function by premature protein truncation. As such, this alteration is interpreted as a disease-causing mutation.